The following is an entry in ClinVar:

ClinVar aggregate classification (germline): Uncertain significance (1 of 4 stars; one submission).

Conditions:
Joubert syndrome 8 (JBTS8). Identifiers: Orphanet 475, MedGen C2676771, MONDO:0012855, OMIM 612291.

Allele frequency attached by ClinVar (database versions not stated): gnomAD exomes below 0.00001 and 0.00002; gnomAD 0.00002.
gnomAD v4.1: 29 of 1,613,372 alleles (0.0018%); highest among the groups gnomAD compares: East Asian, 0.056%; no homozygotes.

Submission:

Labcorp Genetics (formerly Invitae), Labcorp
Classification: Uncertain significance for Joubert syndrome 8. Last evaluated: 2020-06-16. Review status: criteria provided, single submitter. Criteria: Invitae Variant Classification Sherloc (09022015). Collection method: clinical testing. Allele origin: germline.
Comment: This sequence change replaces histidine with tyrosine at codon 424 of the ARL13B protein (p.His424Tyr). The histidine residue is moderately conserved and there is a moderate physicochemical difference between histidine and tyrosine. This variant is not present in population databases (ExAC no frequency). This variant has not been reported in the literature in individuals with ARL13B-related conditions. ClinVar contains an entry for this variant (Variation ID: 346914). Algorithms developed to predict the effect of missense changes on protein structure and function are either unavailable or do not agree on the potential impact of this missense change (SIFT: "Deleterious"; PolyPhen-2: "Possibly Damaging"; Align-GVGD: "Class C0"). In summary, the available evidence is currently insufficient to determine the role of this variant in disease. Therefore, it has been classified as a Variant of Uncertain Significance.

NM_001174150.2(ARL13B):c.1270C>T (p.His424Tyr)

Gene: ARL13B (ARF like GTPase 13B; plus strand). Cytogenetic location: 3q11.2.
Variant type: single nucleotide variant.
Coding change: c.1270C>T on transcript NM_001174150.2 (MANE Select); coding-DNA position 1270, C replaced by T.
Protein change: p.His424Tyr; replaces histidine 424 with tyrosine.
Molecular consequence: missense variant. On other transcripts: non-coding transcript variant (2).
Genome position (GRCh38, 1-based): chr3:94,053,246, C>T. VCF-style: chr3-94053246-C-T. GRCh37 (hg19) VCF-style: chr3-93772090-C-T.
Other names: c.961C>T, p.His321Tyr (NM_001174151.2); c.1225C>T, p.His409Tyr (NM_001321328.2); c.949C>T, p.His317Tyr (NM_144996.4); c.1270C>T, p.His424Tyr (NM_182896.3); short protein forms H424Y, H317Y, H409Y, H321Y.
Identifiers: ClinVar variation 346914 (VCV000346914.6), dbSNP rs886058932, ClinGen allele CA10619727.
Genomic context (GRCh38, chr3:94,053,246, plus strand): 5'-GATTTCTATAGGAAGCCACTGCCTCCCCTGGCTGTGCCACAGCGACCTAACAGTGATGCT[C>T]ATGATGTGATCTCATAAACAAGACGTATGGAGGAGTTCTCTTAATATCAGCAAGGTGAAC-3'
Protein context (NP_001167621.1, residues 414-428): AVPQRPNSDA[His424Tyr]DVIS